The following is an entry in ClinVar:

ClinVar aggregate classification (germline): Uncertain significance. Review status: criteria provided, multiple submitters, no conflicts (2 of 4 stars). 8 submissions from 8 submitters: Uncertain significance (6). 2 of the submissions do not count toward it. Last evaluated 2024-12-23.

Conditions:
Dopa-responsive dystonia due to sepiapterin reductase deficiency. Also called: DYT-SPR; SPR DEFICIENCY; Sepiapterin reductase deficiency. Identifiers: Orphanet 70594, MedGen C0268468, MONDO:0012994, OMIM 612716.
Dystonic disorder. Also called: Dystonia. Identifiers: MedGen C0013421, MONDO:0003441, HP:0001332.

Allele frequency attached by ClinVar (database versions not stated): ExAC below 0.00001; gnomAD exomes 0.00010 and 0.00012; TOPMed 0.00010; gnomAD 0.00014 and 0.00016.
gnomAD v4.1: 196 of 1,459,832 alleles (0.013%); highest among the groups gnomAD compares: Middle Eastern, 0.19%; 1 homozygote.

Submissions (8):

Mayo Clinic Laboratories, Mayo Clinic
Classification: Uncertain significance. Last evaluated: 2024-12-23. Review status: criteria provided, single submitter. Criteria: ACMG Guidelines, 2015. Collection method: clinical testing. Allele origin: germline. Observed: 1 variant allele.
Comment: PP3_moderate

Blueprint Genetics
Classification: Uncertain significance. Last evaluated: 2024-03-01. Review status: criteria provided, single submitter. Criteria: ACMG Guidelines, 2015. Collection method: clinical testing. Allele origin: germline.

Labcorp Genetics (formerly Invitae), Labcorp
Classification: Uncertain significance for Dystonic disorder. Last evaluated: 2022-07-22. Review status: criteria provided, single submitter. Criteria: Invitae Variant Classification Sherloc (09022015). Collection method: clinical testing. Allele origin: germline.
Comment: This sequence change replaces aspartic acid, which is acidic and polar, with glutamic acid, which is acidic and polar, at codon 69 of the SPR protein (p.Asp69Glu). This variant is present in population databases (rs779655618, gnomAD 0.03%). This missense change has been observed in individual(s) with dopa-responsive dystonia (PMID: 29147684). It has also been observed to segregate with disease in related individuals. ClinVar contains an entry for this variant (Variation ID: 566802). Algorithms developed to predict the effect of missense changes on protein structure and function are either unavailable or do not agree on the potential impact of this missense change (SIFT: "Tolerated"; PolyPhen-2: "Probably Damaging"; Align-GVGD: "Class C0"). In summary, the available evidence is currently insufficient to determine the role of this variant in disease. Therefore, it has been classified as a Variant of Uncertain Significance.

Institute of Human Genetics, University of Leipzig Medical Center
Classification: Uncertain significance for Dopa-responsive dystonia due to sepiapterin reductase deficiency. Last evaluated: 2021-07-13. Review status: criteria provided, single submitter. Criteria: ACMG Guidelines, 2015. Collection method: clinical testing. Allele origin: unknown. Affected: yes.

Victorian Clinical Genetics Services, Murdoch Childrens Research Institute
Classification: Uncertain significance for Dopa-responsive dystonia due to sepiapterin reductase deficiency. Last evaluated: 2020-05-25. Review status: criteria provided, single submitter. Criteria: ACMG Guidelines, 2015. Collection method: clinical testing. Allele origin: germline. Affected: yes.
Comment: Based on the classification scheme VCGS_Germline_v1.1.1, this variant is classified as VUS-3B. Following criteria are met: 0102 - Loss-of-function is a known mechanism of disease for this gene. (N) 0108 - This gene is known to be associated with both recessive and dominant disease. The dominant inheritance remains uncertain (OMIM). (N) 0200 - Variant is predicted to result in a missense amino acid change from aspartic acid to glutamic acid (exon 1). (N) 0251 - Variant is heterozygous. (N) 0302 - Variant is present in gnomAD <0.001 for a dominant condition (12 Heterozygous, 0 Homozygous). (P) 0501 - Missense variant consistently predicted to be damaging by multiple in-silico tools or highly conserved with a major amino acid change. (P) 0600 - Variant is located in an annotated domain or motif (short chain dehydrogenase; PDB). (N) 0705 - No comparable variants have previous evidence for pathogenicity. (N) 0808 - Previous reports of pathogenicity are conflicting (ClinVar; LOVD; Shalash, A.S. et al. (2017)). (N) 0905 - No segregation evidence has been identified for this variant. (N) 1007 - No published functional evidence has been identified for this variant. (N) 1208 - Segregation information for this variant is not currently available. (N)

GeneDx
Classification: Uncertain significance. Last evaluated: 2020-02-04. Review status: criteria provided, single submitter. Criteria: GeneDx Variant Classification Process June 2021. Collection method: clinical testing. Allele origin: germline. Affected: yes.
Comment: Identified in the heterozygous state in a family with dopa-responsive dystonia with incomplete penetrance; affected family members also harbored a common DHFR variant that authors propose acts as a modifier (Shalash, et al., 2017). However, further research is needed to explore the possible association between the SPR gene and autosomal dominant inheritance.; In silico analysis supports that this missense variant has a deleterious effect on protein structure/function; This variant is associated with the following publications: (PMID: 29147684)

Clinical Genetics DNA and cytogenetics Diagnostics Lab, Erasmus MC, Erasmus Medical Center
Classification: Uncertain significance. Review status: no assertion criteria provided. Collection method: clinical testing. Allele origin: germline. Affected: yes. Study: VKGL Data-share Consensus. Not counted in ClinVar's aggregate classification.

Laboratory of Diagnostic Genome Analysis, Leiden University Medical Center (LUMC)
Classification: Uncertain significance. Review status: no assertion criteria provided. Collection method: clinical testing. Allele origin: germline. Affected: yes. Study: VKGL Data-share Consensus. Not counted in ClinVar's aggregate classification.

Literature cited by the submitters: PubMed 29147684 (cited by Mayo Clinic Laboratories, Mayo Clinic and Labcorp Genetics (formerly Invitae), Labcorp); PubMed 33073010 (cited by Mayo Clinic Laboratories, Mayo Clinic); PubMed 36833190 (cited by Mayo Clinic Laboratories, Mayo Clinic); PubMed 37105015 (cited by Mayo Clinic Laboratories, Mayo Clinic); PubMed 38465286 (cited by Mayo Clinic Laboratories, Mayo Clinic); PubMed 39498811 (cited by Mayo Clinic Laboratories, Mayo Clinic).

NM_003124.5(SPR):c.207C>G (p.Asp69Glu)

Genes: SPR (sepiapterin reductase; plus strand), LOC129934069 (ATAC-STARR-seq lymphoblastoid silent region 11626; plus strand). Cytogenetic location: 2p13.2.
Variant type: single nucleotide variant.
Coding change: c.207C>G on transcript NM_003124.5 (MANE Select); coding-DNA position 207, C replaced by G.
Protein change: p.Asp69Glu; replaces aspartic acid 69 with glutamic acid.
Molecular consequence: missense variant.
Genome position (GRCh38, 1-based): chr2:72,887,639, C>G. VCF-style: chr2-72887639-C-G. GRCh37 (hg19) VCF-style: chr2-73114768-C-G.
Other names: p.Asp69Glu; short protein forms D69E.
Identifiers: ClinVar variation 566802 (VCV000566802.16), dbSNP rs779655618, ClinGen allele CA1708913.